The following is an entry in ClinVar:

NM_018161.5(NADSYN1):c.2070+2T>C

Gene: NADSYN1 (NAD synthetase 1; plus strand). Cytogenetic location: 11q13.4.
Variant type: single nucleotide variant.
Coding change: c.2070+2T>C on transcript NM_018161.5 (MANE Select); the canonical splice donor site of the intron after coding-DNA position 2070, T replaced by C.
Molecular consequence: splice donor variant.
Genome position (GRCh38, 1-based): chr11:71,498,530, T>C. VCF-style: chr11-71498530-T-C. GRCh37 (hg19) VCF-style: chr11-71209576-T-C.
Identifiers: ClinVar variation 2630362 (VCV002630362.3), dbSNP rs763624750, ClinGen allele CA6163760.
Genomic context (GRCh38, chr11:71,498,530, plus strand): 5'-TGCGACCATTTCTGTACAACACAAGCTGGCCTTGGCAGTTTCGGTGCATAGAAAATCAGG[T>C]AAATCCAGCAGAAATGTTTCTCTCTCCATGTTTCATGTCTGTAGAAGAAACGTGAGGTTA-3'

ClinVar aggregate classification (germline): Uncertain significance. Review status: criteria provided, multiple submitters, no conflicts (2 of 4 stars). 2 submissions from 2 submitters: Uncertain significance (2). Last evaluated 2025-03-06.

Conditions:
NADSYN1-related disorder. Also called: NADSYN1-related condition.

Allele frequency attached by ClinVar (database versions not stated): ExAC 0.00001; gnomAD 0.00002; TOPMed 0.00002; gnomAD exomes 0.00007.
gnomAD v4.1: 99 of 1,613,252 alleles (0.0061%); highest among the groups gnomAD compares: Non-Finnish European, 0.0083%; no homozygotes.

Submissions (2):

PreventionGenetics, part of Exact Sciences
Classification: Uncertain significance for NADSYN1-related condition. Last evaluated: 2025-03-06. Review status: criteria provided, single submitter. Criteria: ACMG Guidelines, 2015. Collection method: clinical testing. Allele origin: germline.
Comment: The NADSYN1 c.2070+2T>C variant is predicted to disrupt the GT donor site and interfere with normal splicing. To our knowledge, this variant has not been reported in the literature. This variant is reported in 0.0035% of alleles in individuals of European (Non-Finnish) descent in gnomAD. At this time, the clinical significance of this variant is uncertain due to the absence of conclusive functional and genetic evidence.

GeneDx
Classification: Uncertain significance. Last evaluated: 2024-12-09. Review status: criteria provided, single submitter. Criteria: GeneDx Variant Classification Process June 2021. Collection method: clinical testing. Allele origin: germline. Affected: yes.
Comment: Canonical splice site variant predicted to result in an in-frame loss of the adjacent exon in a gene for which loss of function is a known mechanism of disease; Has not been previously published as pathogenic or benign to our knowledge